The following is an entry in ClinVar:

NM_054012.4(ASS1):c.566+20C>T

Gene: ASS1 (argininosuccinate synthase 1; plus strand). Cytogenetic location: 9q34.11.
Variant type: single nucleotide variant.
Coding change: c.566+20C>T on transcript NM_054012.4 (MANE Select); 20 bases into the intron after coding-DNA position 566, C replaced by T.
Molecular consequence: intron variant.
Genome position (GRCh38, 1-based): chr9:130,470,924, C>T. VCF-style: chr9-130470924-C-T. GRCh37 (hg19) VCF-style: chr9-133346311-C-T.
Other names: c.566+20C>T (NM_000050.4).
Identifiers: ClinVar variation 385861 (VCV000385861.11), dbSNP rs572425289, ClinGen allele CA5283348.
Genomic context (GRCh38, chr9:130,470,924, plus strand): 5'-AAGAACCCGTGGAGCATGGATGAGAACCTCATGCACATCAGGTAAATCCCACCCTCCACC[C>T]ATCCTTGGTCCTCCCGGGCTCATTCCAAAGGACGGCCACGCGCTGCCCCAGGACGTCCTG-3'

ClinVar aggregate classification (germline): Benign/Likely benign. Review status: criteria provided, multiple submitters, no conflicts (2 of 4 stars). 3 submissions from 3 submitters: Benign (1); Likely benign (2). Last evaluated 2026-02-02.

Conditions:
Citrullinemia. Identifiers: Orphanet 187, MedGen C0175683, MONDO:0015991.

Allele frequency attached by ClinVar (database versions not stated): gnomAD 0.00001 and 0.00021; TOPMed 0.00005; gnomAD exomes 0.00040 and 0.00066; ExAC 0.00075; 1000 Genomes Project 30x 0.00094; 1000 Genomes Project 0.00100.
gnomAD v4.1: 609 of 1,612,718 alleles (0.038%); highest among the groups gnomAD compares: South Asian, 0.64%; 4 homozygotes.

Submissions (3):

Labcorp Genetics (formerly Invitae), Labcorp
Classification: Benign for Citrullinemia. Last evaluated: 2026-02-02. Review status: criteria provided, single submitter. Criteria: Invitae Variant Classification Sherloc (09022015). Collection method: clinical testing. Allele origin: germline.

Blueprint Genetics
Classification: Likely benign. Last evaluated: 2024-03-01. Review status: criteria provided, single submitter. Criteria: ACMG Guidelines, 2015. Collection method: clinical testing. Allele origin: germline.

GeneDx
Classification: Likely benign. Last evaluated: 2017-10-16. Review status: criteria provided, single submitter. Criteria: GeneDx Variant Classification (06012015). Collection method: clinical testing. Allele origin: germline. Affected: yes.
Comment: This variant is considered likely benign or benign based on one or more of the following criteria: it is a conservative change, it occurs at a poorly conserved position in the protein, it is predicted to be benign by multiple in silico algorithms, and/or has population frequency not consistent with disease.